The following is an entry in ClinVar:

NM_001194.4(HCN2):c.1400dup (p.Ser468fs)

Gene: HCN2 (hyperpolarization activated cyclic nucleotide gated potassium and sodium channel 2; plus strand). Cytogenetic location: 19p13.3.
Variant type: Duplication.
Coding change: c.1400dup on transcript NM_001194.4 (MANE Select); coding-DNA position 1400, one base duplicated (A; older notation c.1400dupA).
Protein change: p.Ser468fs; shifts the reading frame from serine 468.
Molecular consequence: frameshift variant.
Genome position (GRCh38, 1-based): chr19:608,145, A duplicated. VCF-style (leftmost placement, unchanged base first): chr19-608144-C-CA. GRCh37 (hg19) VCF-style: chr19-608144-C-CA.
Other names: short protein forms S468fs.
Identifiers: ClinVar variation 2444686 (VCV002444686.2), dbSNP rs1230435568, ClinGen allele CA630998948.

ClinVar aggregate classification (germline): Uncertain significance (1 of 4 stars; one submission).

Allele frequency attached by ClinVar (database versions not stated): gnomAD 0.00001; TOPMed below 0.00001.

Submission:

GeneDx
Classification: Uncertain significance. Last evaluated: 2025-10-18. Review status: criteria provided, single submitter. Criteria: GeneDx Variant Classification Process June 2021. Collection method: clinical testing. Allele origin: germline.
Comment: Has not been previously published as pathogenic or benign to our knowledge; Frameshift variant predicted to result in protein truncation or nonsense mediated decay in a gene for which loss of function is a known mechanism of disease